The following is an entry in ClinVar:

ClinVar aggregate classification (germline): Benign/Likely benign. Review status: criteria provided, multiple submitters, no conflicts (2 of 4 stars). 5 submissions from 5 submitters: Benign (1); Likely benign (4). Last evaluated 2026-05-14.

Conditions:
Hereditary cancer-predisposing syndrome. Also called: Hereditary neoplastic syndrome; Neoplastic Syndromes, Hereditary; Hereditary Cancer Syndrome; Tumor predisposition. Identifiers: Orphanet 140162, MedGen C0027672, MeSH D009386, MONDO:0015356.
Neurofibromatosis, type 1 (NF1). Also called: NEUROFIBROMATOSIS, TYPE I, SOMATIC; Neurofibromatosis, type I; VON RECKLINGHAUSEN DISEASE; Peripheral type neurofibromatosis. Identifiers: Orphanet 636, MedGen C0027831, MONDO:0018975, OMIM 162200. Disease mechanism: loss of function.

Allele frequency attached by ClinVar (database versions not stated): ExAC 0.00004; gnomAD 0.00001; ESP Exome Variant Server 0.00015; TOPMed 0.00003; gnomAD exomes 0.00002.
gnomAD v4.1: 148 of 1,613,178 alleles (0.0092%); highest among the groups gnomAD compares: Non-Finnish European, 0.013%; no homozygotes.

Submissions (5):

Myriad Genetics, Inc.
Classification: Benign for Neurofibromatosis, type 1. Last evaluated: 2026-05-14. Review status: criteria provided, single submitter. Criteria: Myriad Autosomal Dominant, Autosomal Recessive and X-Linked Classification Criteria (2023). Collection method: clinical testing. Allele origin: unknown.
Comment: This variant is considered benign. This variant is a silent/synonymous amino acid change and it is not expected to impact splicing.

Labcorp Genetics (formerly Invitae), Labcorp
Classification: Likely benign for Neurofibromatosis, type 1. Last evaluated: 2026-01-18. Review status: criteria provided, single submitter. Criteria: Invitae Variant Classification Sherloc (09022015). Collection method: clinical testing. Allele origin: germline.

Genome-Nilou Lab
Classification: Likely benign for Neurofibromatosis, type 1. Last evaluated: 2022-03-15. Review status: criteria provided, single submitter. Criteria: ACMG Guidelines, 2015. Collection method: clinical testing. Allele origin: germline. Affected: no.

GeneDx
Classification: Likely benign. Last evaluated: 2017-08-18. Review status: criteria provided, single submitter. Criteria: GeneDx Variant Classification (06012015). Collection method: clinical testing. Allele origin: germline. Affected: yes.
Comment: This variant is considered likely benign or benign based on one or more of the following criteria: it is a conservative change, it occurs at a poorly conserved position in the protein, it is predicted to be benign by multiple in silico algorithms, and/or has population frequency not consistent with disease.

Ambry Genetics
Classification: Likely benign for Hereditary cancer-predisposing syndrome. Last evaluated: 2015-12-16. Review status: criteria provided, single submitter. Criteria: Ambry Autosomal Dominant and X-Linked criteria (10/2015). Collection method: clinical testing. Allele origin: germline. Observed: 1 variant allele.
Comment: In silico models in agreement (benign);Synonymous alterations with insufficient evidence to classify as benign

NM_001042492.3(NF1):c.594A>T (p.Ala198=)

Gene: NF1 (neurofibromin 1; plus strand). Cytogenetic location: 17q11.2.
Variant type: single nucleotide variant.
Coding change: c.594A>T on transcript NM_001042492.3 (MANE Select); coding-DNA position 594, A replaced by T.
Protein change: p.Ala198=; no amino-acid change (alanine 198 retained).
Molecular consequence: synonymous variant.
Genome position (GRCh38, 1-based): chr17:31,181,429, A>T. VCF-style: chr17-31181429-A-T. GRCh37 (hg19) VCF-style: chr17-29508447-A-T.
Other names: c.594A>T, p.Ala198= (NM_000267.4, NM_001128147.3).
Identifiers: ClinVar variation 237580 (VCV000237580.14), dbSNP rs138411879, ClinGen allele CA8485571.
Genomic context (GRCh38, chr17:31,181,429, plus strand): 5'-TATTTGTGTTAACTTATTCTAGAGTTAATTTTTAAAAATTGTGTTTTTTCCAGAAACAGC[A>T]TTTAAATTTAAAGCCCTAAAGAAGGTTGCGCAGTTAGCAGTTATAAATAGCCTGGAAAAG-3'
Protein context (NP_001035957.1, residues 188-208): AKLKRLLKET[Ala198=]FKFKALKKVA